The following is an entry in ClinVar:

NM_001429.4(EP300):c.103T>G (p.Ser35Ala)

Gene: EP300 (EP300 lysine acetyltransferase; plus strand). Cytogenetic location: 22q13.2.
Variant type: single nucleotide variant.
Coding change: c.103T>G on transcript NM_001429.4 (MANE Select); coding-DNA position 103, T replaced by G.
Protein change: p.Ser35Ala; replaces serine 35 with alanine.
Molecular consequence: missense variant.
Genome position (GRCh38, 1-based): chr22:41,117,195, T>G. VCF-style: chr22-41117195-T-G. GRCh37 (hg19) VCF-style: chr22-41513199-T-G.
Other names: c.103T>G, p.Ser35Ala (NM_001362843.2); c.103T>G (NM_001429.3); short protein forms S35A.
Identifiers: ClinVar variation 499750 (VCV000499750.7), dbSNP rs546292445, ClinGen allele CA10252190.

ClinVar aggregate classification (germline): Conflicting classifications of pathogenicity. Review status: criteria provided, conflicting classifications (1 of 4 stars). 3 submissions from 3 submitters: Uncertain significance (2); Benign (1). Last evaluated 2026-04-21.

Conditions:
EP300-related disorder. Also called: EP300-related disorders; EP300-related condition.
Rubinstein-Taybi syndrome due to EP300 haploinsufficiency. Also called: EP300-Related Rubinstein-Taybi Syndrome; RUBINSTEIN-TAYBI SYNDROME 2. Identifiers: Orphanet 353284, Orphanet 783, MedGen C3150941, MONDO:0013364, OMIM 613684.

Allele frequency attached by ClinVar (database versions not stated): ExAC 0.00001; gnomAD exomes 0.00002; gnomAD 0.00003; TOPMed 0.00003; 1000 Genomes Project 30x 0.00016; 1000 Genomes Project 0.00020.
gnomAD v4.1: 32 of 1,614,178 alleles (0.002%); highest among the groups gnomAD compares: African/African-American, 0.008%; no homozygotes.

Submissions (3):

PreventionGenetics, part of Exact Sciences
Classification: Uncertain significance for EP300-related condition. Last evaluated: 2026-04-21. Review status: criteria provided, single submitter. Criteria: ACMG Guidelines, 2015. Collection method: clinical testing. Allele origin: germline.
Comment: The EP300 c.103T>G variant is predicted to result in the amino acid substitution p.Ser35Ala. To our knowledge, this variant has not been reported in the literature. This variant is reported in 0.016% of alleles in individuals of African descent in gnomAD. At this time, the clinical significance of this variant is uncertain due to the absence of conclusive functional and genetic evidence.

Labcorp Genetics (formerly Invitae), Labcorp
Classification: Benign for Rubinstein-Taybi syndrome due to EP300 haploinsufficiency. Last evaluated: 2025-06-11. Review status: criteria provided, single submitter. Criteria: Invitae Variant Classification Sherloc (09022015). Collection method: clinical testing. Allele origin: germline.

Eurofins Ntd Llc (ga)
Classification: Uncertain significance. Last evaluated: 2017-01-23. Review status: criteria provided, single submitter. Criteria: EGL Classification Definitions 2015. Collection method: clinical testing. Allele origin: germline. Observed: 1 variant allele, 1 heterozygote.